The following is an entry in ClinVar:

ClinVar aggregate classification (germline): Likely benign (1 of 4 stars; one submission).

Allele frequency attached by ClinVar (database versions not stated): 1000 Genomes Project 0.00060; 1000 Genomes Project 30x 0.00062; gnomAD 0.00124; ExAC 0.00157; ESP Exome Variant Server 0.00192; gnomAD exomes 0.00230.

Submission:

CeGaT Center for Human Genetics Tuebingen
Classification: Likely benign. Last evaluated: 2023-03-01. Review status: criteria provided, single submitter. Criteria: CeGaT Center For Human Genetics Tuebingen Variant Classification Criteria Version 2. Collection method: clinical testing. Allele origin: germline. Affected: yes. Observed: 1 variant allele.
Comment: LRFN3: BS2

NM_024509.2(LRFN3):c.1198C>T (p.Pro400Ser)

Gene: LRFN3 (leucine rich repeat and fibronectin type III domain containing 3; plus strand). Cytogenetic location: 19q13.12.
Variant type: single nucleotide variant.
Coding change: c.1198C>T on transcript NM_024509.2 (MANE Select); coding-DNA position 1198, C replaced by T.
Protein change: p.Pro400Ser; replaces proline 400 with serine.
Molecular consequence: missense variant.
Genome position (GRCh38, 1-based): chr19:35,940,623, C>T. VCF-style: chr19-35940623-C-T. GRCh37 (hg19) VCF-style: chr19-36431525-C-T.
Other names: short protein forms P400S.
Identifiers: ClinVar variation 2649762 (VCV002649762.24), dbSNP rs115188525, ClinGen allele CA9393460.
Genomic context (GRCh38, chr19:35,940,623, plus strand): 5'-GAGCTGACTGTGGGTCCCCCACCACCTCCTCAGCTAGCCAACAGCACCAGCTGTGACCCC[C>T]CGCGGGACGGGGATCCTGATGCTCTCACCCCACCCTCCGCTGCCTCTGCTTCTGCCAAGG-3'
Protein context (NP_078785.1, residues 390-410): QLANSTSCDP[Pro400Ser]RDGDPDALTP